The following is an entry in ClinVar:

ClinVar aggregate classification (germline): Uncertain significance. Review status: criteria provided, multiple submitters, no conflicts (2 of 4 stars). 2 submissions from 2 submitters: Uncertain significance (2). Last evaluated 2022-06-27.

Allele frequency attached by ClinVar (database versions not stated): gnomAD exomes 0.00002 and 0.00013; gnomAD 0.00003 and 0.00005; TOPMed 0.00003; ExAC 0.00007; 1000 Genomes Project 30x 0.00016; 1000 Genomes Project 0.00020.

Submissions (2):

Labcorp Genetics (formerly Invitae), Labcorp
Classification: Uncertain significance. Last evaluated: 2022-06-27. Review status: criteria provided, single submitter. Criteria: Invitae Variant Classification Sherloc (09022015). Collection method: clinical testing. Allele origin: germline.
Comment: This sequence change replaces histidine, which is basic and polar, with proline, which is neutral and non-polar, at codon 467 of the SLC39A7 protein (p.His467Pro). This variant is present in population databases (rs548487329, gnomAD 0.2%). This variant has not been reported in the literature in individuals affected with SLC39A7-related conditions. Algorithms developed to predict the effect of missense changes on protein structure and function are either unavailable or do not agree on the potential impact of this missense change (SIFT: "Tolerated"; PolyPhen-2: "Probably Damaging"; Align-GVGD: "Class C0"). In summary, the available evidence is currently insufficient to determine the role of this variant in disease. Therefore, it has been classified as a Variant of Uncertain Significance.

Ambry Genetics
Classification: Uncertain significance. Last evaluated: 2022-05-27. Review status: criteria provided, single submitter. Criteria: Ambry Variant Classification Scheme 2023. Collection method: clinical testing. Allele origin: germline.

NM_006979.3(SLC39A7):c.1400A>C (p.His467Pro)

Gene: SLC39A7 (solute carrier family 39 member 7; plus strand). Cytogenetic location: 6p21.32.
Variant type: single nucleotide variant.
Coding change: c.1400A>C on transcript NM_006979.3 (MANE Select); coding-DNA position 1400, A replaced by C.
Protein change: p.His467Pro; replaces histidine 467 with proline.
Molecular consequence: missense variant.
Genome position (GRCh38, 1-based): chr6:33,203,803, A>C. VCF-style: chr6-33203803-A-C. GRCh37 (hg19) VCF-style: chr6-33171580-A-C.
Other names: c.1400A>C, p.His467Pro (NM_001077516.2); c.1025A>C, p.His342Pro (NM_001288777.2); c.1400A>C (NM_006979.2); short protein forms H467P, H342P.
Identifiers: ClinVar variation 1440329 (VCV001440329.4), dbSNP rs548487329, ClinGen allele CA3752472.